The following is an entry in ClinVar:

NM_004655.4(AXIN2):c.1150G>C (p.Glu384Gln)

Gene: AXIN2 (axin 2; minus strand). Cytogenetic location: 17q24.1.
Variant type: single nucleotide variant.
Coding change: c.1150G>C on transcript NM_004655.4 (MANE Select); coding-DNA position 1150, G replaced by C.
Protein change: p.Glu384Gln; replaces glutamic acid 384 with glutamine.
Molecular consequence: missense variant.
Genome position (GRCh38, 1-based): chr17:65,538,253, C>G on the plus strand (G>C on the coding strand, the complement: AXIN2 is on the minus strand). VCF-style: chr17-65538253-C-G. GRCh37 (hg19) VCF-style: chr17-63534371-C-G.
Other names: c.1150G>C, p.Glu384Gln (NM_001363813.1); short protein forms E384Q.
Identifiers: ClinVar variation 1692843 (VCV001692843.1), dbSNP rs2144477057, ClinGen allele CA400678316.
Genomic context (GRCh38, chr17:65,538,253, plus strand): 5'-GCCGCATTACCTCTCGGATCTGCTGCAGGCGCTCCTCCAGGCTGTGGCGGCTCTCCAACT[C>G]CAGCTTCAGCTTTTCCAGCCTCGAGATCAGCTCAGCTGCAAAGGTGGCGGGTTCCACGGG-3'
Protein context (NP_004646.3, residues 374-394): LISRLEKLKL[Glu384Gln]LESRHSLEER

ClinVar aggregate classification (germline): Uncertain significance (1 of 4 stars; one submission).

Conditions:
Hereditary cancer-predisposing syndrome. Also called: Hereditary neoplastic syndrome; Tumor predisposition; Neoplastic Syndromes, Hereditary; Hereditary Cancer Syndrome. Identifiers: Orphanet 140162, MedGen C0027672, MeSH D009386, MONDO:0015356.

Submission:

Sema4
Classification: Uncertain significance for Hereditary cancer-predisposing syndrome. Last evaluated: 2022-01-02. Review status: criteria provided, single submitter. Criteria: Sema4 Curation Guidelines. Collection method: curation. Allele origin: germline.
Comment: The AXIN2 c.1150G>C (p.E384Q) variant has not been reported in the literature to our knowledge. It was not observed in the large and broad cohorts of the Genome Aggregation Database. This variant has not been reported in ClinVar. Functional studies have not been performed, and in silico predictions of the variant's effect on protein function are inconclusive. The evidence is insufficient to meet ACMG/AMP criteria for classifying the variant as benign or pathogenic. Thus, the clinical significance of this variant is currently uncertain.